The following is an entry in ClinVar:

ClinVar aggregate classification (germline): Uncertain significance (1 of 4 stars; one submission).

Conditions:
SRD5A3-congenital disorder of glycosylation. Also called: CDG Iq; Ocular colobomas, ichthyosis, brain malformations and endocrine abnormalities; COLOBOMA, OCULAR, WITH ICHTHYOSIS, BRAIN MALFORMATIONS, AND ENDOCRINE ABNORMALITIES; Congenital disorder of glycosylation type 1Q; SRD5A3-CDG. Identifiers: Orphanet 324737, MedGen C4317224, MONDO:0012885, OMIM 612379.

Allele frequency attached by ClinVar (database versions not stated): gnomAD exomes below 0.00001.

Submission:

Labcorp Genetics (formerly Invitae), Labcorp
Classification: Uncertain significance for SRD5A3-congenital disorder of glycosylation. Last evaluated: 2022-05-27. Review status: criteria provided, single submitter. Criteria: Invitae Variant Classification Sherloc (09022015). Collection method: clinical testing. Allele origin: germline.
Comment: Algorithms developed to predict the effect of missense changes on protein structure and function are either unavailable or do not agree on the potential impact of this missense change (SIFT: "Deleterious"; PolyPhen-2: "Benign"; Align-GVGD: "Class C0"). This variant is present in population databases (no rsID available, gnomAD 0.003%). This sequence change replaces leucine, which is neutral and non-polar, with arginine, which is basic and polar, at codon 28 of the SRD5A3 protein (p.Leu28Arg). This variant has not been reported in the literature in individuals affected with SRD5A3-related conditions. In summary, the available evidence is currently insufficient to determine the role of this variant in disease. Therefore, it has been classified as a Variant of Uncertain Significance.

NM_024592.5(SRD5A3):c.83T>G (p.Leu28Arg)

Gene: SRD5A3 (steroid 5 alpha-reductase 3; plus strand). Cytogenetic location: 4q12.
Variant type: single nucleotide variant.
Coding change: c.83T>G on transcript NM_024592.5 (MANE Select); coding-DNA position 83, T replaced by G.
Protein change: p.Leu28Arg; replaces leucine 28 with arginine.
Molecular consequence: missense variant.
Genome position (GRCh38, 1-based): chr4:55,346,419, T>G. VCF-style: chr4-55346419-T-G. GRCh37 (hg19) VCF-style: chr4-56212586-T-G.
Other names: c.83T>G, p.Leu28Arg (NM_001410732.1); short protein forms L28R.
Identifiers: ClinVar variation 2119453 (VCV002119453.4), dbSNP rs1560363160, ClinGen allele CA356956651.